The following is an entry in ClinVar:

ClinVar aggregate classification (germline): Uncertain significance (1 of 4 stars; one submission).

Allele frequency attached by ClinVar (database versions not stated): ExAC 0.00001; gnomAD 0.00002; TOPMed 0.00002.
gnomAD v4.1: 13 of 1,613,918 alleles (0.00081%); highest among the groups gnomAD compares: South Asian, 0.0022%; no homozygotes.

Submission:

Labcorp Genetics (formerly Invitae), Labcorp
Classification: Uncertain significance. Last evaluated: 2023-06-16. Review status: criteria provided, single submitter. Criteria: Invitae Variant Classification Sherloc (09022015). Collection method: clinical testing. Allele origin: germline.
Comment: In summary, the available evidence is currently insufficient to determine the role of this variant in disease. Therefore, it has been classified as a Variant of Uncertain Significance. Advanced modeling of protein sequence and biophysical properties (such as structural, functional, and spatial information, amino acid conservation, physicochemical variation, residue mobility, and thermodynamic stability) performed at Invitae indicates that this missense variant is not expected to disrupt LRP5 protein function. ClinVar contains an entry for this variant (Variation ID: 1909871). This variant has not been reported in the literature in individuals affected with LRP5-related conditions. This variant is not present in population databases (gnomAD no frequency). This sequence change replaces arginine, which is basic and polar, with glutamine, which is neutral and polar, at codon 395 of the LRP5 protein (p.Arg395Gln).

NM_002335.4(LRP5):c.1184G>A (p.Arg395Gln)

Gene: LRP5 (LDL receptor related protein 5; plus strand). Cytogenetic location: 11q13.2.
Variant type: single nucleotide variant.
Coding change: c.1184G>A on transcript NM_002335.4 (MANE Select); coding-DNA position 1184, G replaced by A.
Protein change: p.Arg395Gln; replaces arginine 395 with glutamine.
Molecular consequence: missense variant. On other transcripts: 5 prime UTR variant (1).
Genome position (GRCh38, 1-based): chr11:68,386,484, G>A. VCF-style: chr11-68386484-G-A. GRCh37 (hg19) VCF-style: chr11-68153952-G-A.
Other names: c.-582G>A (NM_001291902.2); short protein forms R395Q.
Identifiers: ClinVar variation 1909871 (VCV001909871.5), dbSNP rs201539068, ClinGen allele CA6149264.
Genomic context (GRCh38, chr11:68,386,484, plus strand): 5'-CCATTGCCATCGACTACGACCCGCTAGAGGGCTATGTCTACTGGACAGATGACGAGGTGC[G>A]GGCCATCCGCAGGGCGTACCTGGACGGGTCTGGGGCGCAGACGCTGGTCAACACCGAGAT-3'
Protein context (NP_002326.2, residues 385-405): GYVYWTDDEV[Arg395Gln]AIRRAYLDGS